The following is an entry in ClinVar:

NM_152792.4(ASPRV1):c.71G>T (p.Gly24Val)

Gene: ASPRV1 (aspartic peptidase retroviral like 1; minus strand). Cytogenetic location: 2p13.3.
Variant type: single nucleotide variant.
Coding change: c.71G>T on transcript NM_152792.4 (MANE Select); coding-DNA position 71, G replaced by T.
Protein change: p.Gly24Val; replaces glycine 24 with valine.
Molecular consequence: missense variant. On other transcripts: non-coding transcript variant (8).
Genome position (GRCh38, 1-based): chr2:69,961,366, C>A on the plus strand (G>T on the coding strand, the complement: ASPRV1 is on the minus strand). VCF-style: chr2-69961366-C-A. GRCh37 (hg19) VCF-style: chr2-70188498-C-A.
Other names: short protein forms G24V.
Identifiers: ClinVar variation 4852268 (VCV004852268.1).

ClinVar aggregate classification (germline): Likely benign (1 of 4 stars; one submission).

Conditions:
Autosomal dominant lamellar ichthyosis. Identifiers: MedGen C0432304, MONDO:0007812, OMIM 146750.

Submission:

Centre for Medical Genetics,  Mumbai
Classification: Likely benign for Autosomal dominant lamellar ichthyosis. Last evaluated: 2026-04-27. Review status: criteria provided, single submitter. Criteria: ACMG Guidelines, 2015. Collection method: provider interpretation. Allele origin: germline. Inheritance: Autosomal dominant inheritance. Affected: no. Observed: 1 variant allele, 1 heterozygote.
Comment: The variant satisfies PM2 criteria - extremely low frequency in gnomAD population databases. However, the variant satisfies BS2 criteria - present in heterozygous state in an individual that clinically does not have ichthyosis, lamellar.

Literature cited by the submitters: PubMed 32516568.